The following is an entry in ClinVar:

ClinVar aggregate classification (germline): Conflicting classifications of pathogenicity. Review status: criteria provided, conflicting classifications (1 of 4 stars). 4 submissions from 4 submitters: Uncertain significance (1); Likely benign (3). Last evaluated 2025-06-13.

Conditions:
PIEZO1-related disorder. Also called: PIEZO1-related condition; PIEZO1-Related Disorders.

Allele frequency attached by ClinVar (database versions not stated): gnomAD exomes 0.00011; TOPMed 0.00011; 1000 Genomes Project 30x 0.00016; 1000 Genomes Project 0.00020; ExAC 0.00077; gnomAD 0.00009.
gnomAD v4.1: 192 of 1,550,188 alleles (0.012%); highest among the groups gnomAD compares: South Asian, 0.12%; 2 homozygotes.

Submissions (4):

PreventionGenetics, part of Exact Sciences
Classification: Uncertain significance for PIEZO1-related condition. Last evaluated: 2025-06-13. Review status: criteria provided, single submitter. Criteria: ACMG Guidelines, 2015. Collection method: clinical testing. Allele origin: germline.
Comment: The PIEZO1 c.5106G>A variant is not predicted to result in an amino acid change (p.=). This variant is predicted to alter splicing based on available splicing prediction software (SpliceAI, Jaganathan et al. 2019. PubMed ID: 30661751). However, the use of computer prediction softwares is not equivalent to functional evidence. To our knowledge, this variant has not been reported in the literature. This variant is reported in 0.13% of alleles in individuals of South Asian descent in gnomAD, which may be too frequent for causative variant. Although we suspect that this variant may be benign, at this time, the clinical significance of this variant is uncertain due to the absence of conclusive functional and genetic evidence.

ARUP Laboratories, Molecular Genetics and Genomics, ARUP Laboratories
Classification: Likely benign. Last evaluated: 2025-04-21. Review status: criteria provided, single submitter. Criteria: ARUP Molecular Germline Variant Investigation Process 2024. Collection method: clinical testing. Allele origin: germline.

Blueprint Genetics
Classification: Likely benign. Last evaluated: 2023-07-28. Review status: criteria provided, single submitter. Criteria: ACMG Guidelines, 2015. Collection method: clinical testing. Allele origin: germline.

Labcorp Genetics (formerly Invitae), Labcorp
Classification: Likely benign. Last evaluated: 2022-05-04. Review status: criteria provided, single submitter. Criteria: Invitae Variant Classification Sherloc (09022015). Collection method: clinical testing. Allele origin: germline.

NM_001142864.4(PIEZO1):c.5106G>A (p.Thr1702=)

Gene: PIEZO1 (piezo type mechanosensitive ion channel component 1 (Er blood group); minus strand). Cytogenetic location: 16q24.3.
Variant type: single nucleotide variant.
Coding change: c.5106G>A on transcript NM_001142864.4 (MANE Select); coding-DNA position 5106, G replaced by A.
Protein change: p.Thr1702=; no amino-acid change (threonine 1702 retained).
Molecular consequence: synonymous variant.
Genome position (GRCh38, 1-based): chr16:88,721,916, C>T on the plus strand (G>A on the coding strand, the complement: PIEZO1 is on the minus strand). VCF-style: chr16-88721916-C-T. GRCh37 (hg19) VCF-style: chr16-88788324-C-T.
Other names: c.3648G>A, p.Thr1216= (NM_014745.1); c.5106G>A (NM_001142864.3).
Identifiers: ClinVar variation 2152729 (VCV002152729.7), dbSNP rs111734695, ClinGen allele CA8231960.